The following is an entry in ClinVar:

NM_001177316.2(SLC34A3):c.181C>T (p.Arg61Cys)

Gene: SLC34A3 (solute carrier family 34 member 3; plus strand). Cytogenetic location: 9q34.3.
Variant type: single nucleotide variant.
Coding change: c.181C>T on transcript NM_001177316.2 (MANE Select); coding-DNA position 181, C replaced by T.
Protein change: p.Arg61Cys; replaces arginine 61 with cysteine.
Molecular consequence: missense variant.
Genome position (GRCh38, 1-based): chr9:137,232,580, C>T. VCF-style: chr9-137232580-C-T. GRCh37 (hg19) VCF-style: chr9-140127032-C-T.
Other names: c.181C>T (NM_080877.2); c.181C>T, p.Arg61Cys (NM_001177317.2, NM_080877.3); short protein forms R61C.
Identifiers: ClinVar variation 2892968 (VCV002892968.4), dbSNP rs750340368, ClinGen allele CA5364260.

ClinVar aggregate classification (germline): Uncertain significance. Review status: criteria provided, multiple submitters, no conflicts (2 of 4 stars). 2 submissions from 2 submitters: Uncertain significance (2). Last evaluated 2024-07-05.

Allele frequency attached by ClinVar (database versions not stated): ExAC 0.00001; gnomAD exomes 0.00001; TOPMed 0.00002; gnomAD 0.00005.
gnomAD v4.1: 24 of 1,608,924 alleles (0.0015%); highest among the groups gnomAD compares: African/African-American, 0.0094%; no homozygotes.

Submissions (2):

GeneDx
Classification: Uncertain significance. Last evaluated: 2024-07-05. Review status: criteria provided, single submitter. Criteria: GeneDx Variant Classification Process June 2021. Collection method: clinical testing. Allele origin: germline. Affected: yes.
Comment: In silico analysis indicates that this missense variant does not alter protein structure/function; Has not been previously published as pathogenic or benign to our knowledge

Labcorp Genetics (formerly Invitae), Labcorp
Classification: Uncertain significance. Last evaluated: 2022-12-25. Review status: criteria provided, single submitter. Criteria: Invitae Variant Classification Sherloc (09022015). Collection method: clinical testing. Allele origin: germline.
Comment: Advanced modeling of protein sequence and biophysical properties (such as structural, functional, and spatial information, amino acid conservation, physicochemical variation, residue mobility, and thermodynamic stability) performed at Invitae indicates that this missense variant is not expected to disrupt SLC34A3 protein function. In summary, the available evidence is currently insufficient to determine the role of this variant in disease. Therefore, it has been classified as a Variant of Uncertain Significance. This variant has not been reported in the literature in individuals affected with SLC34A3-related conditions. This sequence change replaces arginine, which is basic and polar, with cysteine, which is neutral and slightly polar, at codon 61 of the SLC34A3 protein (p.Arg61Cys). This variant is present in population databases (rs750340368, gnomAD 0.005%).